The following is an entry in ClinVar:

ClinVar aggregate classification (germline): Uncertain significance (1 of 4 stars; one submission).

Allele frequency attached by ClinVar (database versions not stated): gnomAD exomes below 0.00001; gnomAD 0.00001; ExAC 0.00002; TOPMed 0.00002.
gnomAD v4.1: 5 of 1,610,624 alleles (0.00031%); highest among the groups gnomAD compares: East Asian, 0.0067%; no homozygotes.

Submission:

Labcorp Genetics (formerly Invitae), Labcorp
Classification: Uncertain significance. Last evaluated: 2025-05-19. Review status: criteria provided, single submitter. Criteria: Invitae Variant Classification Sherloc (09022015). Collection method: clinical testing. Allele origin: germline.
Comment: This sequence change falls in intron 11 of the ELP1 gene. It does not directly change the encoded amino acid sequence of the ELP1 protein. It affects a nucleotide within the consensus splice site. This variant is present in population databases (rs754823596, gnomAD 0.03%). This variant has not been reported in the literature in individuals affected with ELP1-related conditions. ClinVar contains an entry for this variant (Variation ID: 2155342). Variants that disrupt the consensus splice site are a relatively common cause of aberrant splicing (PMID: 17576681, 9536098). Algorithms developed to predict the effect of sequence changes on RNA splicing suggest that this variant is not likely to affect RNA splicing. In summary, the available evidence is currently insufficient to determine the role of this variant in disease. Therefore, it has been classified as a Variant of Uncertain Significance.

Literature cited by the submitters: PubMed 17576681; PubMed 9536098.

NM_003640.5(ELP1):c.1189+6C>G

Gene: ELP1 (elongator acetyltransferase complex subunit 1; minus strand). Cytogenetic location: 9q31.3.
Variant type: single nucleotide variant.
Coding change: c.1189+6C>G on transcript NM_003640.5 (MANE Select); 6 bases into the intron after coding-DNA position 1189, C replaced by G.
Molecular consequence: intron variant.
Genome position (GRCh38, 1-based): chr9:108,912,258, G>C on the plus strand (C>G on the coding strand, the complement: ELP1 is on the minus strand). VCF-style: chr9-108912258-G-C. GRCh37 (hg19) VCF-style: chr9-111674538-G-C.
Other names: c.847+6C>G (NM_001318360.2); c.142+6C>G (NM_001330749.2).
Identifiers: ClinVar variation 2155342 (VCV002155342.3), dbSNP rs754823596, ClinGen allele CA5175096.
Genomic context (GRCh38, chr9:108,912,258, plus strand): 5'-CCACATCTGCAGGCCCTAGGCTCAGGACCCCTTGCAGGCTCATGGACACACTTCCCAGGA[G>C]CTTACTTCCATCAATGACAGCCACATTGGACAAGTCACTTGAATTATCTCCCACGCTCCG-3'